The following is an entry in ClinVar:

NM_006282.5(STK4):c.986C>T (p.Thr329Met)

Gene: STK4 (serine/threonine kinase 4; plus strand). Cytogenetic location: 20q13.12.
Variant type: single nucleotide variant.
Coding change: c.986C>T on transcript NM_006282.5 (MANE Select); coding-DNA position 986, C replaced by T.
Protein change: p.Thr329Met; replaces threonine 329 with methionine.
Molecular consequence: missense variant.
Genome position (GRCh38, 1-based): chr20:45,001,192, C>T. VCF-style: chr20-45001192-C-T. GRCh37 (hg19) VCF-style: chr20-43629833-C-T.
Other names: c.986C>T, p.Thr329Met (NM_001352385.2); short protein forms T329M.
Identifiers: ClinVar variation 2718599 (VCV002718599.3), dbSNP rs2515640854, ClinGen allele CA409126513.

ClinVar aggregate classification (germline): Uncertain significance (1 of 4 stars; one submission).

Conditions:
Combined immunodeficiency due to STK4 deficiency (IMD110). Also called: T-cell immunodeficiency, recurrent infections, and autoimmunity with or without cardiac malformations; STK4 DEFICIENCY; MST1 DEFICIENCY. Identifiers: Orphanet 314689, MedGen C3553943, MONDO:0013934, OMIM 614868.

Allele frequency attached by ClinVar (database versions not stated): gnomAD exomes 0.00001.
gnomAD v4.1: 11 of 1,613,000 alleles (0.00068%); highest among the groups gnomAD compares: Middle Eastern, 0.016%; no homozygotes.

Submission:

Labcorp Genetics (formerly Invitae), Labcorp
Classification: Uncertain significance for Combined immunodeficiency due to STK4 deficiency. Last evaluated: 2024-07-22. Review status: criteria provided, single submitter. Criteria: Invitae Variant Classification Sherloc (09022015). Collection method: clinical testing. Allele origin: germline.
Comment: This sequence change replaces threonine, which is neutral and polar, with methionine, which is neutral and non-polar, at codon 329 of the STK4 protein (p.Thr329Met). This variant is not present in population databases (gnomAD no frequency). This variant has not been reported in the literature in individuals affected with STK4-related conditions. Advanced modeling of protein sequence and biophysical properties (such as structural, functional, and spatial information, amino acid conservation, physicochemical variation, residue mobility, and thermodynamic stability) performed at Invitae indicates that this missense variant is not expected to disrupt STK4 protein function with a negative predictive value of 95%. In summary, the available evidence is currently insufficient to determine the role of this variant in disease. Therefore, it has been classified as a Variant of Uncertain Significance.